The following is an entry in ClinVar:

ClinVar aggregate classification (germline): Uncertain significance (1 of 4 stars; one submission).

Submission:

GeneDx
Classification: Uncertain significance. Last evaluated: 2022-02-08. Review status: criteria provided, single submitter. Criteria: GeneDx Variant Classification Process June 2021. Collection method: clinical testing. Allele origin: germline. Affected: yes.
Comment: Not observed at significant frequency in large population cohorts (gnomAD); In silico analysis supports that this missense variant does not alter protein structure/function; Has not been previously published as pathogenic or benign to our knowledge

NM_015340.4(LARS2):c.788A>T (p.Tyr263Phe)

Gene: LARS2 (leucyl-tRNA synthetase 2, mitochondrial; plus strand). Cytogenetic location: 3p21.31.
Variant type: single nucleotide variant.
Coding change: c.788A>T on transcript NM_015340.4 (MANE Select); coding-DNA position 788, A replaced by T.
Protein change: p.Tyr263Phe; replaces tyrosine 263 with phenylalanine.
Molecular consequence: missense variant.
Genome position (GRCh38, 1-based): chr3:45,474,280, A>T. VCF-style: chr3-45474280-A-T. GRCh37 (hg19) VCF-style: chr3-45515772-A-T.
Other names: c.788A>T, p.Tyr263Phe (NM_001368263.1); short protein forms Y263F.
Identifiers: ClinVar variation 1700370 (VCV001700370.2), dbSNP rs1435320881, ClinGen allele CA352423117.